The following is an entry in ClinVar:

ClinVar aggregate classification (germline): Benign/Likely benign. Review status: criteria provided, multiple submitters, no conflicts (2 of 4 stars). 12 submissions from 12 submitters: Benign (9); Likely benign (2). 1 of the submissions does not count toward it. Last evaluated 2026-07-01.

Conditions:
Cardiovascular phenotype. Identifiers: MedGen CN230736.
Alstrom syndrome (ALMS). Identifiers: Orphanet 64, MedGen C0268425, MONDO:0008763, OMIM 203800.

Allele frequency attached by ClinVar (database versions not stated): 1000 Genomes Project 30x 0.00312; 1000 Genomes Project 0.00319; TOPMed 0.00687; ExAC 0.00712; gnomAD exomes 0.00725 and 0.00788; ESP Exome Variant Server 0.00733; gnomAD 0.00877 and 0.00915.
gnomAD v4.1: 12,774 of 1,612,522 alleles (0.79%); highest among the groups gnomAD compares: Non-Finnish European, 0.82%; 79 homozygotes.

Submissions (12):

CeGaT Center for Human Genetics Tuebingen
Classification: Likely benign. Last evaluated: 2026-07-01. Review status: criteria provided, single submitter. Criteria: CeGaT Center For Human Genetics Tuebingen Variant Classification Criteria Version 2. Collection method: clinical testing. Allele origin: germline. Affected: yes. Observed: 20 variant alleles.
Comment: ALMS1: BP4, BP7, BS2

Labcorp Genetics (formerly Invitae), Labcorp
Classification: Benign for Alstrom syndrome. Last evaluated: 2026-02-04. Review status: criteria provided, single submitter. Criteria: Invitae Variant Classification Sherloc (09022015). Collection method: clinical testing. Allele origin: germline.

Blueprint Genetics
Classification: Likely benign. Last evaluated: 2024-11-26. Review status: criteria provided, single submitter. Criteria: ACMG Guidelines, 2015. Collection method: clinical testing. Allele origin: germline.

ARUP Laboratories, Molecular Genetics and Genomics, ARUP Laboratories
Classification: Benign for Alstrom syndrome. Last evaluated: 2023-10-02. Review status: criteria provided, single submitter. Criteria: ARUP Molecular Germline Variant Investigation Process 2024. Collection method: clinical testing. Allele origin: germline.

Women's Health and Genetics/Laboratory Corporation of America, LabCorp
Classification: Benign. Last evaluated: 2019-08-27. Review status: criteria provided, single submitter. Criteria: LabCorp Variant Classification Summary - May 2015. Collection method: clinical testing. Allele origin: germline.

Athena Diagnostics
Classification: Benign. Last evaluated: 2019-03-15. Review status: criteria provided, single submitter. Criteria: Athena Diagnostics Criteria. Collection method: clinical testing. Allele origin: germline.

Ambry Genetics
Classification: Benign for Cardiovascular phenotype. Last evaluated: 2019-02-04. Review status: criteria provided, single submitter. Criteria: Ambry Variant Classification Scheme 2023. Collection method: clinical testing. Allele origin: germline.

GeneDx
Classification: Benign. Last evaluated: 2017-11-20. Review status: criteria provided, single submitter. Criteria: GeneDx Variant Classification (06012015). Collection method: clinical testing. Allele origin: germline. Affected: yes.
Comment: This variant is considered likely benign or benign based on one or more of the following criteria: it is a conservative change, it occurs at a poorly conserved position in the protein, it is predicted to be benign by multiple in silico algorithms, and/or has population frequency not consistent with disease.

Laboratory for Molecular Medicine, Mass General Brigham Personalized Medicine
Classification: Benign. Last evaluated: 2016-03-21. Review status: criteria provided, single submitter. Criteria: LMM Criteria. Collection method: clinical testing. Allele origin: germline. Observed: 1 variant allele.
Comment: p.Pro1820Pro in exon 8 of ALMS1: This variant is not expected to have clinical significance because it does not alter an amino acid residue, is not located within the splice consensus sequence, and has been identified in 2.93% (194/6614) of Finnish chromosomes by the Exome Aggregation Consortium (ExAC; dbSNP rs62151609).

Eurofins Ntd Llc (ga)
Classification: Benign. Last evaluated: 2014-11-19. Review status: criteria provided, single submitter. Criteria: EGL Classification Definitions 2015. Collection method: clinical testing. Allele origin: germline. Observed: 2 variant alleles, 2 heterozygotes.

Breakthrough Genomics
Classification: Benign. Review status: criteria provided, single submitter. Criteria: ACMG Guidelines, 2015. Collection method: not provided. Allele origin: germline. Inheritance: Autosomal recessive inheritance. Affected: yes.

Natera, Inc.
Classification: Benign for Alstrom syndrome. Last evaluated: 2020-09-16. Review status: no assertion criteria provided. Collection method: clinical testing. Allele origin: germline. Not counted in ClinVar's aggregate classification.

NM_001378454.1(ALMS1):c.5463G>A (p.Pro1821=)

Gene: ALMS1 (ALMS1 centrosome and basal body associated protein; plus strand). Cytogenetic location: 2p13.1.
Variant type: single nucleotide variant.
Coding change: c.5463G>A on transcript NM_001378454.1 (MANE Select); coding-DNA position 5463, G replaced by A.
Protein change: p.Pro1821=; no amino-acid change (proline 1821 retained).
Molecular consequence: synonymous variant.
Genome position (GRCh38, 1-based): chr2:73,451,990, G>A. VCF-style: chr2-73451990-G-A. GRCh37 (hg19) VCF-style: chr2-73679117-G-A.
Other names: c.5466G>A, p.Pro1822= (NM_015120.4).
Identifiers: ClinVar variation 198874 (VCV000198874.54), dbSNP rs62151609, ClinGen allele CA203655.
Genomic context (GRCh38, chr2:73,451,990, plus strand): 5'-AACCTCTACTTCCTACTCACACAGAGAGAAGCCCATTGTTTCCTACCAGCGAGAGTTGCC[G>A]CATTTTACTGAAGCAGGTTTGAAAATTTTAAGAGTTCCTGGACCAGCTGACCAGAAGACT-3'
Protein context (NP_001365383.1, residues 1811-1831): KPIVSYQREL[Pro1821=]HFTEAGLKIL